The following is an entry in ClinVar:

ClinVar aggregate classification (germline): Uncertain significance. Review status: criteria provided, multiple submitters, no conflicts (2 of 4 stars). 3 submissions from 3 submitters: Uncertain significance (3). Last evaluated 2023-12-05.

Conditions:
Hereditary cancer-predisposing syndrome. Also called: Tumor predisposition; Neoplastic Syndromes, Hereditary; Hereditary Cancer Syndrome; Hereditary neoplastic syndrome. Identifiers: Orphanet 140162, MedGen C0027672, MeSH D009386, MONDO:0015356.
Familial cancer of breast. Also called: BREAST CANCER, FAMILIAL; hereditary breast carcinoma; Hereditary breast cancer. Identifiers: Orphanet 227535, MedGen C0346153, MONDO:0016419, OMIM 114480. Disease mechanism: loss of function.
Ataxia-telangiectasia syndrome (AT). Also called: Ataxia-telangiectasia; Ataxia-telangiectasia, complementation group D; AT, COMPLEMENTATION GROUP C; LOUIS-BAR SYNDROME; Cerebello-oculocutaneous telangiectasia; Immunodeficiency with ataxia telangiectasia. Identifiers: Orphanet 100, MedGen C0004135, MONDO:0008840, OMIM 208900.

Submissions (3):

Color Diagnostics, LLC DBA Color Health
Classification: Uncertain significance for Hereditary cancer-predisposing syndrome. Last evaluated: 2023-12-05. Review status: criteria provided, single submitter. Criteria: ACMG Guidelines, 2015. Collection method: clinical testing. Allele origin: germline.
Comment: This missense variant replaces glutamine with arginine at codon 876 of the ATM protein. Computational prediction suggests that this variant may not impact protein structure and function (internally defined REVEL score threshold <= 0.5, PMID: 27666373). To our knowledge, functional studies have not been reported for this variant. This variant has not been reported in individuals affected with ATM-related disorders in the literature. This variant has not been identified in the general population by the Genome Aggregation Database (gnomAD). The available evidence is insufficient to determine the role of this variant in disease conclusively. Therefore, this variant is classified as a Variant of Uncertain Significance.

Baylor Genetics
Classification: Uncertain significance for Familial cancer of breast. Last evaluated: 2023-09-04. Review status: criteria provided, single submitter. Criteria: ACMG Guidelines, 2015. Collection method: clinical testing. Allele origin: unknown.

Labcorp Genetics (formerly Invitae), Labcorp
Classification: Uncertain significance for Ataxia-telangiectasia syndrome. Last evaluated: 2021-08-27. Review status: criteria provided, single submitter. Criteria: Invitae Variant Classification Sherloc (09022015). Collection method: clinical testing. Allele origin: germline.
Comment: This sequence change replaces glutamine with arginine at codon 876 of the ATM protein (p.Gln876Arg). The glutamine residue is moderately conserved and there is a small physicochemical difference between glutamine and arginine. This variant is not present in population databases (ExAC no frequency). This variant has not been reported in the literature in individuals affected with ATM-related conditions. ClinVar contains an entry for this variant (Variation ID: 490478). Algorithms developed to predict the effect of missense changes on protein structure and function (SIFT, PolyPhen-2, Align-GVGD) all suggest that this variant is likely to be tolerated. In summary, the available evidence is currently insufficient to determine the role of this variant in disease. Therefore, it has been classified as a Variant of Uncertain Significance.

NM_000051.4(ATM):c.2627A>G (p.Gln876Arg)

Gene: ATM (ATM serine/threonine kinase; plus strand). Cytogenetic location: 11q22.3.
Variant type: single nucleotide variant.
Coding change: c.2627A>G on transcript NM_000051.4 (MANE Select); coding-DNA position 2627, A replaced by G.
Protein change: p.Gln876Arg; replaces glutamine 876 with arginine.
Molecular consequence: missense variant.
Genome position (GRCh38, 1-based): chr11:108,267,331, A>G. VCF-style: chr11-108267331-A-G. GRCh37 (hg19) VCF-style: chr11-108138058-A-G.
Other names: c.2627A>G, p.Gln876Arg (NM_001351834.2); short protein forms Q876R.
Identifiers: ClinVar variation 490478 (VCV000490478.13), dbSNP rs1555082348, ClinGen allele CA11914695.